The following is an entry in ClinVar:

ClinVar aggregate classification (germline): Uncertain significance (1 of 4 stars; one submission).

Conditions:
SHANK1-related disorder. Also called: SHANK1-related condition.

Submission:

PreventionGenetics, part of Exact Sciences
Classification: Uncertain significance for SHANK1-related condition. Last evaluated: 2024-11-02. Review status: criteria provided, single submitter. Criteria: ACMG Guidelines, 2015. Collection method: clinical testing. Allele origin: germline.
Comment: The SHANK1 c.2284A>G variant is predicted to result in the amino acid substitution p.Met762Val. To our knowledge, this variant has not been reported in the literature or in a large population database (gnomAD), indicating this variant is rare. At this time, the clinical significance of this variant is uncertain due to the absence of conclusive functional and genetic evidence.

NM_016148.5(SHANK1):c.2284A>G (p.Met762Val)

Gene: SHANK1 (SH3 and multiple ankyrin repeat domains 1; minus strand). Cytogenetic location: 19q13.33.
Variant type: single nucleotide variant.
Coding change: c.2284A>G on transcript NM_016148.5 (MANE Select); coding-DNA position 2284, A replaced by G.
Protein change: p.Met762Val; replaces methionine 762 with valine.
Molecular consequence: missense variant.
Genome position (GRCh38, 1-based): chr19:50,687,947, T>C on the plus strand (A>G on the coding strand, the complement: SHANK1 is on the minus strand). VCF-style: chr19-50687947-T-C. GRCh37 (hg19) VCF-style: chr19-51191204-T-C.
Other names: short protein forms M762V.
Identifiers: ClinVar variation 4985764 (VCV004985764.1).